The following is an entry in ClinVar:

NM_002691.4(POLD1):c.1886A>G (p.Lys629Arg)

Gene: POLD1 (DNA polymerase delta 1, catalytic subunit; plus strand). Cytogenetic location: 19q13.33.
Variant type: single nucleotide variant.
Coding change: c.1886A>G on transcript NM_002691.4 (MANE Select); coding-DNA position 1886, A replaced by G.
Protein change: p.Lys629Arg; replaces lysine 629 with arginine.
Molecular consequence: missense variant. On other transcripts: non-coding transcript variant (1).
Genome position (GRCh38, 1-based): chr19:50,408,895, A>G. VCF-style: chr19-50408895-A-G. GRCh37 (hg19) VCF-style: chr19-50912152-A-G.
Other names: c.1886A>G, p.Lys629Arg (NM_001256849.1); c.1964A>G, p.Lys655Arg (NM_001308632.1); short protein forms K629R, K655R.
Identifiers: ClinVar variation 3222706 (VCV003222706.1), dbSNP rs772953240, ClinGen allele CA406982160.

ClinVar aggregate classification (germline): Uncertain significance (1 of 4 stars; one submission).

Conditions:
Hereditary cancer-predisposing syndrome. Also called: Tumor predisposition; Hereditary neoplastic syndrome; Hereditary Cancer Syndrome; Neoplastic Syndromes, Hereditary. Identifiers: Orphanet 140162, MedGen C0027672, MeSH D009386, MONDO:0015356.

Submission:

Ambry Genetics
Classification: Uncertain significance for Hereditary cancer-predisposing syndrome. Last evaluated: 2023-11-22. Review status: criteria provided, single submitter. Criteria: Ambry Variant Classification Scheme 2023. Collection method: clinical testing. Allele origin: germline.
Comment: The p.K629R variant (also known as c.1886A>G), located in coding exon 14 of the POLD1 gene, results from an A to G substitution at nucleotide position 1886. The lysine at codon 629 is replaced by arginine, an amino acid with highly similar properties. This amino acid position is conserved. In addition, this alteration is predicted to be tolerated by in silico analysis. Since supporting evidence is limited at this time, the clinical significance of this alteration remains unclear.